The following is an entry in ClinVar:

ClinVar aggregate classification (germline): Uncertain significance. Review status: criteria provided, multiple submitters, no conflicts (2 of 4 stars). 2 submissions from 2 submitters: Uncertain significance (2). Last evaluated 2023-06-02.

Conditions:
McKusick-Kaufman syndrome (MKKS). Also called: HYDROMETROCOLPOS SYNDROME; HYDROMETROCOLPOS, POSTAXIAL POLYDACTYLY, AND CONGENITAL HEART MALFORMATION. Identifiers: Orphanet 2473, MedGen C0948368, MONDO:0009367, OMIM 236700.
Bardet-Biedl syndrome 6 (BBS6). Identifiers: Orphanet 110, MedGen C1858054, MONDO:0011523, OMIM 605231.
Bardet-Biedl syndrome (BBS). Identifiers: Orphanet 110, MedGen C0752166, MONDO:0015229.

Allele frequency attached by ClinVar (database versions not stated): gnomAD exomes below 0.00001.
gnomAD v4.1: 1 of 1,614,184 alleles (0.000062%); highest among the groups gnomAD compares: African/African-American, 0.0013%; no homozygotes.

Submissions (2):

SN ONGC Dept of Genetics and Molecular biology Vision Research Foundation
Classification: Uncertain significance for Bardet-Biedl syndrome. Last evaluated: 2023-06-02. Review status: criteria provided, single submitter. Criteria: ACMG Guidelines, 2015. Collection method: research. Allele origin: unknown. Affected: yes.

Diagnostics Services (NGS), CSIR - Centre For Cellular And Molecular Biology
Classification: Uncertain significance for Bardet-Biedl syndrome 6; McKusick-Kaufman syndrome. Last evaluated: 2022-05-18. Review status: criteria provided, single submitter. Criteria: ACMG Guidelines, 2015. Collection method: clinical testing. Allele origin: germline. Inheritance: Autosomal recessive inheritance. Affected: yes. Observed: 1 variant allele, 1 homozygote.
Comment: The c.1490G>A variant is not present in publicly available population databases like 1000 Genomes, EVS, ExAC, gnomAD and Indian Exome Database. The variant is not present in our in-house exome database. The variant was not previously reported to ClinVar, Human Genome Mutation Database (HGMD) and/or OMIM databases, in any affected individuals. In-silico pathogenicity prediction programs like PolyPhen-2, MutationTaster2, CADD etc. predicted this variant to be likely deleterious, however these predictions were not confirmed by any published functional studies.

NM_170784.3(MKKS):c.1490G>A (p.Cys497Tyr)

Gene: MKKS (MKKS centrosomal shuttling protein; minus strand). Cytogenetic location: 20p12.2.
Variant type: single nucleotide variant.
Coding change: c.1490G>A on transcript NM_170784.3 (MANE Select); coding-DNA position 1490, G replaced by A.
Protein change: p.Cys497Tyr; replaces cysteine 497 with tyrosine.
Molecular consequence: missense variant. On other transcripts: non-coding transcript variant (1).
Genome position (GRCh38, 1-based): chr20:10,405,470, C>T on the plus strand (G>A on the coding strand, the complement: MKKS is on the minus strand). VCF-style: chr20-10405470-C-T. GRCh37 (hg19) VCF-style: chr20-10386118-C-T.
Other names: c.1490G>A, p.Cys497Tyr (NM_018848.3); short protein forms C497Y.
Identifiers: ClinVar variation 1691314 (VCV001691314.6), dbSNP rs2122219712, ClinGen allele CA408230784.